The following is an entry in ClinVar:

ClinVar aggregate classification (germline): Uncertain significance (1 of 4 stars; one submission).

Submission:

Mayo Clinic Laboratories, Mayo Clinic
Classification: Uncertain significance. Last evaluated: 2025-10-20. Review status: criteria provided, single submitter. Criteria: ACMG Guidelines, 2015. Collection method: clinical testing. Allele origin: germline. Observed: 1 variant allele.
Comment: BP4_moderate

NM_001365276.2(TNXB):c.11220C>G (p.His3740Gln)

Genes: TNXB (tenascin XB; minus strand), LOC106780803 (tenascin XB recombination region; plus strand). Cytogenetic location: 6p21.33.
Variant type: single nucleotide variant.
Coding change: c.11220C>G on transcript NM_001365276.2 (MANE Select); coding-DNA position 11220, C replaced by G.
Protein change: p.His3740Gln; replaces histidine 3740 with glutamine.
Molecular consequence: missense variant.
Genome position (GRCh38, 1-based): chr6:32,044,424, G>C on the plus strand (C>G on the coding strand, the complement: TNXB is on the minus strand). VCF-style: chr6-32044424-G-C. GRCh37 (hg19) VCF-style: chr6-32012201-G-C.
Other names: p.His3738Gln; c.11961C>G, p.His3987Gln (NM_001428335.1); c.11214C>G, p.His3738Gln (NM_019105.8); c.507C>G, p.His169Gln (NM_032470.4); short protein forms H169Q, H3738Q, H3740Q, H3987Q.
Identifiers: ClinVar variation 4541126 (VCV004541126.1).
Genomic context (GRCh38, chr6:32,044,424, plus strand): 5'-TGTGTGTGGGTCCTTACCTGGGCTGAGGGTGCGGGCGGTTCCCTGGATGCTGTCGGCCTT[G>C]TGGGGTCCTCGCAGCCCATACAGTGTCAGGCTGTACAGAGTCCCGGAACGCAGGTCCCGG-3'
Protein context (NP_001352205.1, residues 3730-3750): SLTLYGLRGP[His3740Gln]KADSIQGTAR